The following is an entry in ClinVar:

ClinVar aggregate classification (germline): Likely benign. Review status: criteria provided, multiple submitters, no conflicts (2 of 4 stars). 2 submissions from 2 submitters: Likely benign (2). Last evaluated 2025-10-13.

Conditions:
Neuropathy, hereditary sensory, type 2C. Also called: KIF1A-Related HSAN2 (HSAN2C); Hereditary sensory and autonomic neuropathy type IIC. Identifiers: Orphanet 970, MedGen C3280168, MONDO:0013634, OMIM 614213.
Intellectual disability, autosomal dominant 9 (NESCAVS). Also called: NESCAV SYNDROME; KIF1A-Related Neurodevelopmental Disorder. Identifiers: Orphanet 662367, MedGen C5393830, MONDO:0013656, OMIM 614255.
Hereditary spastic paraplegia 30. Identifiers: Orphanet 101010, MedGen C5235139, MONDO:0012476.

Allele frequency attached by ClinVar (database versions not stated): gnomAD exomes 0.00003 and 0.00004; gnomAD 0.00004 and 0.00005; ExAC 0.00012; 1000 Genomes Project 30x 0.00031; 1000 Genomes Project 0.00040.
gnomAD v4.1: 60 of 1,588,774 alleles (0.0038%); highest among the groups gnomAD compares: Admixed American, 0.019%; no homozygotes.

Submissions (2):

Labcorp Genetics (formerly Invitae), Labcorp
Classification: Likely benign for Hereditary spastic paraplegia 30; Neuropathy, hereditary sensory, type 2C; Intellectual disability, autosomal dominant 9. Last evaluated: 2025-10-13. Review status: criteria provided, single submitter. Criteria: Invitae Variant Classification Sherloc (09022015). Collection method: clinical testing. Allele origin: germline.

CeGaT Center for Human Genetics Tuebingen
Classification: Likely benign. Last evaluated: 2025-04-01. Review status: criteria provided, single submitter. Criteria: CeGaT Center For Human Genetics Tuebingen Variant Classification Criteria Version 2. Collection method: clinical testing. Allele origin: germline. Affected: yes. Observed: 1 variant allele.
Comment: KIF1A: BP4, BP7

NM_001244008.2(KIF1A):c.756C>T (p.Ser252=)

Gene: KIF1A (kinesin family member 1A; minus strand). Cytogenetic location: 2q37.3.
Variant type: single nucleotide variant.
Coding change: c.756C>T on transcript NM_001244008.2 (MANE Select); coding-DNA position 756, C replaced by T.
Protein change: p.Ser252=; no amino-acid change (serine 252 retained).
Molecular consequence: synonymous variant.
Genome position (GRCh38, 1-based): chr2:240,783,781, G>A on the plus strand (C>T on the coding strand, the complement: KIF1A is on the minus strand). VCF-style: chr2-240783781-G-A. GRCh37 (hg19) VCF-style: chr2-241723198-G-A.
Other names: c.756C>T, p.Ser252= (NM_001320705.2, NM_001330289.2, NM_001330290.2 and 20 more transcripts).
Identifiers: ClinVar variation 1450090 (VCV001450090.13), dbSNP rs555641774, ClinGen allele CA2208668.